The following is an entry in ClinVar:

NM_001267550.2(TTN):c.9639C>G (p.Ser3213Arg)

Gene: TTN (titin; minus strand). Cytogenetic location: 2q31.2.
Variant type: single nucleotide variant.
Coding change: c.9639C>G on transcript NM_001267550.2 (MANE Select); coding-DNA position 9639, C replaced by G.
Protein change: p.Ser3213Arg; replaces serine 3213 with arginine.
Molecular consequence: missense variant.
Genome position (GRCh38, 1-based): chr2:178,766,445, G>C on the plus strand (C>G on the coding strand, the complement: TTN is on the minus strand). VCF-style: chr2-178766445-G-C. GRCh37 (hg19) VCF-style: chr2-179631172-G-C.
Other names: c.9639C>G, p.Ser3213Arg (NM_001256850.1, NM_133378.4, NM_133379.5); c.9501C>G, p.Ser3167Arg (NM_003319.4, NM_133432.3, NM_133437.4); short protein forms S3167R, S3213R.
Identifiers: ClinVar variation 4987657 (VCV004987657.1).
Genomic context (GRCh38, chr2:178,766,445, plus strand): 5'-GACATAGAGAGTGACAGAACTCCTGTTCCTTCCTGCCACAAAGGTGTATTCTCCTGCATC[G>C]CTCTGTCTGGTCTCAGAGATAAACATTCGGTGGATTCTTCTTTCCACTACATATTTGTGT-3'
Protein context (NP_001254479.2, residues 3203-3223): HRMFISETRQ[Ser3213Arg]DAGEYTFVAG

ClinVar aggregate classification (germline): Uncertain significance (1 of 4 stars; one submission).

Conditions:
TTN-related disorder. Also called: TTN-related disorders; TTN-related condition; TTN-related disease.

gnomAD v4.1: 7 of 1,613,910 alleles (0.00043%); highest among the groups gnomAD compares: Admixed American, 0.012%; no homozygotes.

Submission:

PreventionGenetics, part of Exact Sciences
Classification: Uncertain significance for TTN-related condition. Last evaluated: 2025-05-21. Review status: criteria provided, single submitter. Criteria: ACMG Guidelines, 2015. Collection method: clinical testing. Allele origin: germline.
Comment: The TTN c.9639C>G variant is predicted to result in the amino acid substitution p.Ser3213Arg. To our knowledge, this variant has not been reported in the literature. This variant is reported in 0.014% of alleles in individuals of Latino descent in gnomAD. At this time, the clinical significance of this variant is uncertain due to the absence of conclusive functional and genetic evidence.